The following is an entry in ClinVar:

NM_003183.6(ADAM17):c.2396C>T (p.Pro799Leu)

Genes: ADAM17 (ADAM metallopeptidase domain 17; minus strand), IAH1 (isoamyl acetate hydrolyzing esterase 1 (putative); plus strand). Cytogenetic location: 2p25.1.
Variant type: single nucleotide variant.
Coding change: c.2396C>T on transcript NM_003183.6 (MANE Select); coding-DNA position 2396, C replaced by T.
Protein change: p.Pro799Leu; replaces proline 799 with leucine.
Molecular consequence: missense variant.
Genome position (GRCh38, 1-based): chr2:9,490,256, G>A on the plus strand (C>T on the coding strand, the complement: ADAM17 is on the minus strand). VCF-style: chr2-9490256-G-A. GRCh37 (hg19) VCF-style: chr2-9630385-G-A.
Other names: p.Pro799Leu; c.2396C>T (NM_003183.4); short protein forms P799L.
Identifiers: ClinVar variation 862057 (VCV000862057.7), dbSNP rs747645870, ClinGen allele CA1523226.
Genomic context (GRCh38, chr2:9,490,256, plus strand): 5'-CTGTCAACACGATTCTGACGCTGCAGTTTAAAGGAGGCAGCCTTTTCACTTCTGGTGACC[G>A]GATGGTCCGTGAGATCCTCAAATGACTTGGCAGCTGTGCTGCTATTTGGGAAGGGGTCCT-3'
Protein context (NP_003174.3, residues 789-809): AKSFEDLTDH[Pro799Leu]VTRSEKAASF

ClinVar aggregate classification (germline): Uncertain significance. Review status: criteria provided, multiple submitters, no conflicts (2 of 4 stars). 3 submissions from 3 submitters: Uncertain significance (3). Last evaluated 2025-06-21.

Conditions:
Inborn genetic diseases. Identifiers: MedGen C0950123, MeSH D030342.
Inflammatory skin and bowel disease, neonatal, 1. Identifiers: Orphanet 294023, MedGen C3280501, MONDO:0013693, OMIM 614328.

Allele frequency attached by ClinVar (database versions not stated): gnomAD 0.00006; gnomAD exomes 0.00001; TOPMed 0.00003; ExAC 0.00002.
gnomAD v4.1: 67 of 1,612,606 alleles (0.0042%); highest among the groups gnomAD compares: East Asian, 0.029%; no homozygotes.

Submissions (3):

Mayo Clinic Laboratories, Mayo Clinic
Classification: Uncertain significance. Last evaluated: 2025-06-21. Review status: criteria provided, single submitter. Criteria: ACMG Guidelines, 2015. Collection method: clinical testing. Allele origin: germline. Observed: 1 variant allele.
Comment: BP4_moderate

Ambry Genetics
Classification: Uncertain significance for Inborn genetic diseases. Last evaluated: 2025-06-10. Review status: criteria provided, single submitter. Criteria: Ambry Variant Classification Scheme 2023. Collection method: clinical testing. Allele origin: germline.

Labcorp Genetics (formerly Invitae), Labcorp
Classification: Uncertain significance for Inflammatory skin and bowel disease, neonatal, 1. Last evaluated: 2021-08-27. Review status: criteria provided, single submitter. Criteria: Invitae Variant Classification Sherloc (09022015). Collection method: clinical testing. Allele origin: germline.